The following is an entry in ClinVar:

ClinVar aggregate classification (germline): Uncertain significance. Review status: criteria provided, multiple submitters, no conflicts (2 of 4 stars). 3 submissions from 3 submitters: Uncertain significance (3). Last evaluated 2025-09-16.

Conditions:
Inborn genetic diseases. Identifiers: MedGen C0950123, MeSH D030342.
Amyotrophic lateral sclerosis type 1 (ALS1). Also called: AMYOTROPHIC LATERAL SCLEROSIS 1, FAMILIAL. Identifiers: Orphanet 803, MedGen C1862939, MONDO:0007103, OMIM 105400.
Perry syndrome. Also called: PARKINSONISM WITH ALVEOLAR HYPOVENTILATION AND MENTAL DEPRESSION. Identifiers: Orphanet 178509, MedGen C1868594, MONDO:0008201, OMIM 168605.
Neuronopathy, distal hereditary motor, type 7B. Also called: Distal Hereditary Motor Neuronopathy Type 7B (dHMN7B); HMN VIIB; LOWER MOTOR NEURON DISEASE, DYNACTIN TYPE; NEURONOPATHY, DISTAL HEREDITARY MOTOR, AUTOSOMAL DOMINANT 14; NEURONOPATHY, DISTAL HEREDITARY MOTOR, HARDING TYPE VIIB; NEUROPATHY, DISTAL HEREDITARY MOTOR, HARDING TYPE VIIB. Identifiers: Orphanet 139589, MedGen C1843315, MONDO:0011879, OMIM 607641.
DCTN1-related disorder. Also called: DCTN1-related condition.

Allele frequency attached by ClinVar (database versions not stated): ExAC 0.00001.
gnomAD v4.1: 4 of 1,614,002 alleles (0.00025%); highest among the groups gnomAD compares: African/African-American, 0.0013%; no homozygotes.

Submissions (3):

PreventionGenetics, part of Exact Sciences
Classification: Uncertain significance for DCTN1-related condition. Last evaluated: 2025-09-16. Review status: criteria provided, single submitter. Criteria: ACMG Guidelines, 2015. Collection method: clinical testing. Allele origin: germline.
Comment: The DCTN1 c.2221G>A variant is predicted to result in the amino acid substitution p.Asp741Asn. To our knowledge, this variant has not been reported in the literature. This variant is reported in 0.0062% of alleles in individuals of African descent in gnomAD. At this time, the clinical significance of this variant is uncertain due to the absence of conclusive functional and genetic evidence.

Ambry Genetics
Classification: Uncertain significance for Inborn genetic diseases. Last evaluated: 2025-01-28. Review status: criteria provided, single submitter. Criteria: Ambry Variant Classification Scheme 2023. Collection method: clinical testing. Allele origin: germline.

Labcorp Genetics (formerly Invitae), Labcorp
Classification: Uncertain significance for Amyotrophic lateral sclerosis type 1; Neuronopathy, distal hereditary motor, type 7B; Perry syndrome. Last evaluated: 2024-08-01. Review status: criteria provided, single submitter. Criteria: Invitae Variant Classification Sherloc (09022015). Collection method: clinical testing. Allele origin: germline.
Comment: This sequence change replaces aspartic acid, which is acidic and polar, with asparagine, which is neutral and polar, at codon 741 of the DCTN1 protein (p.Asp741Asn). This variant is present in population databases (rs746414153, gnomAD 0.007%). This variant has not been reported in the literature in individuals affected with DCTN1-related conditions. ClinVar contains an entry for this variant (Variation ID: 1787939). Advanced modeling of protein sequence and biophysical properties (such as structural, functional, and spatial information, amino acid conservation, physicochemical variation, residue mobility, and thermodynamic stability) performed at Invitae indicates that this missense variant is not expected to disrupt DCTN1 protein function with a negative predictive value of 80%. In summary, the available evidence is currently insufficient to determine the role of this variant in disease. Therefore, it has been classified as a Variant of Uncertain Significance.

NM_004082.5(DCTN1):c.2221G>A (p.Asp741Asn)

Gene: DCTN1 (dynactin subunit 1; minus strand). Cytogenetic location: 2p13.1.
Variant type: single nucleotide variant.
Coding change: c.2221G>A on transcript NM_004082.5 (MANE Select); coding-DNA position 2221, G replaced by A.
Protein change: p.Asp741Asn; replaces aspartic acid 741 with asparagine.
Molecular consequence: missense variant. On other transcripts: non-coding transcript variant (1).
Genome position (GRCh38, 1-based): chr2:74,367,384, C>T on the plus strand (G>A on the coding strand, the complement: DCTN1 is on the minus strand). VCF-style: chr2-74367384-C-T. GRCh37 (hg19) VCF-style: chr2-74594511-C-T.
Other names: c.2161G>A, p.Asp721Asn (NM_001135040.3); c.1819G>A, p.Asp607Asn (NM_001135041.3, NM_023019.4); c.2110G>A, p.Asp704Asn (NM_001190836.2); c.2200G>A, p.Asp734Asn (NM_001190837.2); c.2170G>A, p.Asp724Asn (NM_001378991.1); c.2152G>A, p.Asp718Asn (NM_001378992.1); short protein forms D721N, D734N, D741N, D607N, D704N, D718N, D724N.
Identifiers: ClinVar variation 1787939 (VCV001787939.9), dbSNP rs746414153, ClinGen allele CA1721913.